The following is an entry in ClinVar:

NM_001145118.2(GRID2IP):c.2961C>T (p.Ala987=)

Gene: GRID2IP (Grid2 interacting protein; minus strand). Cytogenetic location: 7p22.1.
Variant type: single nucleotide variant.
Coding change: c.2961C>T on transcript NM_001145118.2 (MANE Select); coding-DNA position 2961, C replaced by T.
Protein change: p.Ala987=; no amino-acid change (alanine 987 retained).
Molecular consequence: synonymous variant.
Genome position (GRCh38, 1-based): chr7:6,503,110, G>A on the plus strand (C>T on the coding strand, the complement: GRID2IP is on the minus strand). VCF-style: chr7-6503110-G-A. GRCh37 (hg19) VCF-style: chr7-6542741-G-A.
Other names: c.2388C>T, p.Ala796= (NM_001388403.1); c.2412C>T, p.Ala804= (NM_001394781.1).
Identifiers: ClinVar variation 2657300 (VCV002657300.24), dbSNP rs373500827, ClinGen allele CA4155306.

ClinVar aggregate classification (germline): Likely benign (1 of 4 stars; one submission).

Allele frequency attached by ClinVar (database versions not stated): 1000 Genomes Project 30x 0.00062; 1000 Genomes Project 0.00080; TOPMed 0.00281; gnomAD 0.00283; ExAC 0.00304; gnomAD exomes 0.00390; ESP Exome Variant Server 0.00416.
gnomAD v4.1: 5,794 of 1,550,306 alleles (0.37%); highest among the groups gnomAD compares: Non-Finnish European, 0.46%; 22 homozygotes.

Submission:

CeGaT Center for Human Genetics Tuebingen
Classification: Likely benign. Last evaluated: 2022-08-01. Review status: criteria provided, single submitter. Criteria: CeGaT Center For Human Genetics Tuebingen Variant Classification Criteria Version 2. Collection method: clinical testing. Allele origin: germline. Affected: yes. Observed: 1 variant allele.
Comment: GRID2IP: BP4, BP7